The following is an entry in ClinVar:

NM_007294.4(BRCA1):c.2829del (p.Lys943fs)

Gene: BRCA1 (BRCA1 DNA repair associated; minus strand). Cytogenetic location: 17q21.31.
Variant type: Deletion.
Coding change: c.2829del on transcript NM_007294.4 (MANE Select); coding-DNA position 2829, one base deleted (A; older notation c.2829delA).
Protein change: p.Lys943fs; shifts the reading frame from lysine 943.
Molecular consequence: frameshift variant. On other transcripts: intron variant (137).
Genome position (GRCh38, 1-based): chr17:43,092,702, T deleted on the plus strand (A on the coding strand, the reverse complement: BRCA1 is on the minus strand); the first of 3 consecutive T bases (chr17:43,092,702-43,092,704); deleting any one gives the same sequence. VCF-style (leftmost placement, unchanged base first): chr17-43092701-AT-A. GRCh37 (hg19) VCF-style: chr17-41244718-AT-A.
Other names: c.2616del, p.Lys872fs (NM_001407853.1, NM_001407894.1, NM_001407895.1 and 9 more transcripts); c.2829del, p.Lys943fs (NM_001407854.1, NM_001407858.1, NM_001407859.1 and 30 more transcripts); c.2826del, p.Lys942fs (NM_001407860.1, NM_001407861.1, NM_001407587.1 and 22 more transcripts); c.2628del, p.Lys876fs (NM_001407862.1); c.2625del, p.Lys875fs (NM_001407874.1, NM_001407875.1); c.2706del, p.Lys902fs (NM_001407863.1, NM_001407919.1, NM_001407937.1 and 19 more transcripts); c.2619del, p.Lys873fs (NM_001407879.1, NM_001407881.1, NM_001407882.1 and 13 more transcripts); c.2685del, p.Lys895fs (NM_001407747.1, NM_001407748.1, NM_001407749.1 and 20 more transcripts); and 42 more; short protein forms K647fs, K816fs, K854fs, K875fs, K895fs, K940fs, K943fs, K855fs.
Identifiers: ClinVar variation 3825281 (VCV003825281.1).

ClinVar aggregate classification (germline): Pathogenic (1 of 4 stars; one submission).

Conditions:
Hereditary cancer-predisposing syndrome. Also called: Hereditary neoplastic syndrome; Neoplastic Syndromes, Hereditary; Tumor predisposition; Hereditary Cancer Syndrome. Identifiers: Orphanet 140162, MedGen C0027672, MeSH D009386, MONDO:0015356.

Submission:

Ambry Genetics
Classification: Pathogenic for Hereditary cancer-predisposing syndrome. Last evaluated: 2024-12-18. Review status: criteria provided, single submitter. Criteria: Ambry Variant Classification Scheme 2023. Collection method: clinical testing. Allele origin: germline.
Comment: The c.2829delA pathogenic mutation, located in coding exon 9 of the BRCA1 gene, results from a deletion of one nucleotide at nucleotide position 2829, causing a translational frameshift with a predicted alternate stop codon (p.K943Nfs*57). This variant is considered to be rare based on population cohorts in the Genome Aggregation Database (gnomAD). This alteration is expected to result in loss of function by premature protein truncation or nonsense-mediated mRNA decay. As such, this alteration is interpreted as a disease-causing mutation.